The following is an entry in ClinVar:

NM_001122630.2(CDKN1C):c.206C>T (p.Thr69Ile)

Gene: CDKN1C (cyclin dependent kinase inhibitor 1C; minus strand). Cytogenetic location: 11p15.4.
Variant type: single nucleotide variant.
Coding change: c.206C>T on transcript NM_001122630.2 (MANE Select); coding-DNA position 206, C replaced by T.
Protein change: p.Thr69Ile; replaces threonine 69 with isoleucine.
Molecular consequence: missense variant.
Genome position (GRCh38, 1-based): chr11:2,885,251, G>A on the plus strand (C>T on the coding strand, the complement: CDKN1C is on the minus strand). VCF-style: chr11-2885251-G-A. GRCh37 (hg19) VCF-style: chr11-2906481-G-A.
Other names: c.239C>T, p.Thr80Ile (LRG_533t1, NM_000076.2, NM_001362474.2); c.206C>T, p.Thr69Ile (NM_001122631.2, NM_001362475.2); short protein forms T69I, T80I.
Identifiers: ClinVar variation 651419 (VCV000651419.6), dbSNP rs1475576590, ClinGen allele CA379147273.

ClinVar aggregate classification (germline): Uncertain significance (1 of 4 stars; one submission).

Conditions:
Beckwith-Wiedemann syndrome (BWS). Also called: Exomphalos macroglossia gigantism syndrome; EMG SYNDROME. Identifiers: Orphanet 116, MedGen C0004903, MONDO:0007534, OMIM 130650.

Allele frequency attached by ClinVar (database versions not stated): gnomAD 0.00001; TOPMed 0.00001.

Submission:

Labcorp Genetics (formerly Invitae), Labcorp
Classification: Uncertain significance for Beckwith-Wiedemann syndrome. Last evaluated: 2023-07-16. Review status: criteria provided, single submitter. Criteria: Invitae Variant Classification Sherloc (09022015). Collection method: clinical testing. Allele origin: germline.
Comment: This sequence change replaces threonine, which is neutral and polar, with isoleucine, which is neutral and non-polar, at codon 80 of the CDKN1C protein (p.Thr80Ile). This variant is not present in population databases (gnomAD no frequency). In summary, the available evidence is currently insufficient to determine the role of this variant in disease. Therefore, it has been classified as a Variant of Uncertain Significance. Advanced modeling of protein sequence and biophysical properties (such as structural, functional, and spatial information, amino acid conservation, physicochemical variation, residue mobility, and thermodynamic stability) performed at Invitae indicates that this missense variant is not expected to disrupt CDKN1C protein function. ClinVar contains an entry for this variant (Variation ID: 651419). This variant has not been reported in the literature in individuals affected with CDKN1C-related conditions.